The following is an entry in ClinVar:

NM_001036.6(RYR3):c.7001G>A (p.Ser2334Asn)

Gene: RYR3 (ryanodine receptor 3; plus strand). Cytogenetic location: 15q14.
Variant type: single nucleotide variant.
Coding change: c.7001G>A on transcript NM_001036.6 (MANE Select); coding-DNA position 7001, G replaced by A.
Protein change: p.Ser2334Asn; replaces serine 2334 with asparagine.
Molecular consequence: missense variant.
Genome position (GRCh38, 1-based): chr15:33,726,474, G>A. VCF-style: chr15-33726474-G-A. GRCh37 (hg19) VCF-style: chr15-34018675-G-A.
Other names: c.7001G>A, p.Ser2334Asn (NM_001243996.4); short protein forms S2334N.
Identifiers: ClinVar variation 461943 (VCV000461943.9), dbSNP rs199928344, ClinGen allele CA7459756.
Genomic context (GRCh38, chr15:33,726,474, plus strand): 5'-TCCGCATCAGGTCCATCCTGCGCTCCCTGGTCCCCACAGAAGACCTGGTTGGGATCATCA[G>A]CATCCCCTTGAAACTGCCCTCCCTCAACAAAGGTAAGGGGAGTGACTGCAGGCTGCAGCA-3'
Protein context (NP_001027.3, residues 2324-2344): VPTEDLVGII[Ser2334Asn]IPLKLPSLNK

ClinVar aggregate classification (germline): Uncertain significance (1 of 4 stars; one submission).

Conditions:
Epileptic encephalopathy. Identifiers: MedGen C0543888, HP:0200134.

Allele frequency attached by ClinVar (database versions not stated): TOPMed below 0.00001; gnomAD 0.00001 and 0.00002; gnomAD exomes 0.00002; ExAC 0.00004; 1000 Genomes Project 0.00020; 1000 Genomes Project 30x 0.00031.
gnomAD v4.1: 20 of 1,603,972 alleles (0.0012%); highest among the groups gnomAD compares: South Asian, 0.0023%; no homozygotes.

Submission:

Labcorp Genetics (formerly Invitae), Labcorp
Classification: Uncertain significance for Epileptic encephalopathy. Last evaluated: 2022-08-15. Review status: criteria provided, single submitter. Criteria: Invitae Variant Classification Sherloc (09022015). Collection method: clinical testing. Allele origin: germline.
Comment: In summary, the available evidence is currently insufficient to determine the role of this variant in disease. Therefore, it has been classified as a Variant of Uncertain Significance. Algorithms developed to predict the effect of missense changes on protein structure and function (SIFT, PolyPhen-2, Align-GVGD) all suggest that this variant is likely to be disruptive. ClinVar contains an entry for this variant (Variation ID: 461943). This variant has not been reported in the literature in individuals affected with RYR3-related conditions. This variant is present in population databases (rs199928344, gnomAD 0.004%). This sequence change replaces serine, which is neutral and polar, with asparagine, which is neutral and polar, at codon 2334 of the RYR3 protein (p.Ser2334Asn).